The following is an entry in ClinVar:

ClinVar aggregate classification (germline): Uncertain significance (1 of 4 stars; one submission).

Conditions:
Nephronophthisis. Also called: Juvenile Nephronophthisis. Identifiers: Orphanet 655, MedGen C0687120, MONDO:0019005, HP:0000090.

Submission:

Labcorp Genetics (formerly Invitae), Labcorp
Classification: Uncertain significance for Nephronophthisis. Last evaluated: 2024-09-11. Review status: criteria provided, single submitter. Criteria: Invitae Variant Classification Sherloc (09022015). Collection method: clinical testing. Allele origin: germline.
Comment: This sequence change replaces asparagine, which is neutral and polar, with serine, which is neutral and polar, at codon 495 of the NPHP4 protein (p.Asn495Ser). This variant is not present in population databases (gnomAD no frequency). This variant has not been reported in the literature in individuals affected with NPHP4-related conditions. Invitae Evidence Modeling of protein sequence and biophysical properties (such as structural, functional, and spatial information, amino acid conservation, physicochemical variation, residue mobility, and thermodynamic stability) indicates that this missense variant is not expected to disrupt NPHP4 protein function with a negative predictive value of 80%. In summary, the available evidence is currently insufficient to determine the role of this variant in disease. Therefore, it has been classified as a Variant of Uncertain Significance.

NM_015102.5(NPHP4):c.1484A>G (p.Asn495Ser)

Gene: NPHP4 (nephrocystin 4; minus strand). Cytogenetic location: 1p36.31.
Variant type: single nucleotide variant.
Coding change: c.1484A>G on transcript NM_015102.5 (MANE Select); coding-DNA position 1484, A replaced by G.
Protein change: p.Asn495Ser; replaces asparagine 495 with serine.
Molecular consequence: missense variant. On other transcripts: non-coding transcript variant (1), intron variant (2).
Genome position (GRCh38, 1-based): chr1:5,909,171, T>C on the plus strand (A>G on the coding strand, the complement: NPHP4 is on the minus strand). VCF-style: chr1-5909171-T-C. GRCh37 (hg19) VCF-style: chr1-5969231-T-C.
Other names: c.76-3388A>G (NM_001291594.2); c.76-3391A>G (NM_001291593.2); short protein forms N495S.
Identifiers: ClinVar variation 3674376 (VCV003674376.2).